The following is an entry in ClinVar:

ClinVar aggregate classification (germline): Uncertain significance (1 of 4 stars; one submission).

Conditions:
MHC class II deficiency. Also called: Bare lymphocyte syndrome 2; BLS, TYPE II. Identifiers: Orphanet 572, MedGen C5447452, MONDO:0008855.

Allele frequency attached by ClinVar (database versions not stated): TOPMed below 0.00001.
gnomAD v4.1: 2 of 1,613,944 alleles (0.00012%); highest among the groups gnomAD compares: East Asian, 0.0022%; no homozygotes.

Submission:

Labcorp Genetics (formerly Invitae), Labcorp
Classification: Uncertain significance for MHC class II deficiency. Last evaluated: 2022-02-18. Review status: criteria provided, single submitter. Criteria: Invitae Variant Classification Sherloc (09022015). Collection method: clinical testing. Allele origin: germline.
Comment: This sequence change replaces proline, which is neutral and non-polar, with histidine, which is basic and polar, at codon 127 of the RFXANK protein (p.Pro127His). This variant is not present in population databases (gnomAD no frequency). This variant has not been reported in the literature in individuals affected with RFXANK-related conditions. Algorithms developed to predict the effect of missense changes on protein structure and function (SIFT, PolyPhen-2, Align-GVGD) all suggest that this variant is likely to be disruptive. In summary, the available evidence is currently insufficient to determine the role of this variant in disease. Therefore, it has been classified as a Variant of Uncertain Significance.

NM_003721.4(RFXANK):c.380C>A (p.Pro127His)

Gene: RFXANK (regulatory factor X associated ankyrin containing protein; plus strand). Cytogenetic location: 19p13.11.
Variant type: single nucleotide variant.
Coding change: c.380C>A on transcript NM_003721.4 (MANE Select); coding-DNA position 380, C replaced by A.
Protein change: p.Pro127His; replaces proline 127 with histidine.
Molecular consequence: missense variant.
Genome position (GRCh38, 1-based): chr19:19,197,563, C>A. VCF-style: chr19-19197563-C-A. GRCh37 (hg19) VCF-style: chr19-19308372-C-A.
Other names: c.311C>A, p.Pro104His (NM_134440.3, NM_001278728.2); c.314C>A, p.Pro105His (NM_001278727.2, NM_001370234.1); c.380C>A, p.Pro127His (NM_001370233.1, NM_001370238.1); c.377C>A, p.Pro126His (NM_001370235.1, NM_001370236.1, NM_001370237.1); short protein forms P104H, P105H, P127H, P126H.
Identifiers: ClinVar variation 1903907 (VCV001903907.2), dbSNP rs2060623200, ClinGen allele CA404894633.
Genomic context (GRCh38, chr19:19,197,563, plus strand): 5'-CCCGCCTCCTCCTGCCAGGTGACAACCTCGTCAACAAGCCAGACGAGCGCGGCTTCACCC[C>A]CCTCATCTGGGCCTCCGCCTTTGGAGAGATTGAGACCGTTCGCTTCCTGCTGGAGTGGGT-3'
Protein context (NP_003712.1, residues 117-137): VNKPDERGFT[Pro127His]LIWASAFGEI